The following is an entry in ClinVar:

ClinVar aggregate classification (germline): Benign. Review status: criteria provided, multiple submitters, no conflicts (2 of 4 stars). 10 submissions from 7 submitters: Benign (10). Last evaluated 2026-02-04.

Conditions:
Retinal dystrophy. Also called: Inherited retinal dystrophy. Identifiers: Orphanet 71862, MedGen C0854723, MeSH D058499, MONDO:0019118, HP:0000556.
Retinitis pigmentosa (RP). Identifiers: Orphanet 791, MedGen C0035334, MeSH D012174, MONDO:0019200, OMIM 268000. Inheritance: Autosomal dominant, autosomal recessive and X linked inheritance.
Cone-rod dystrophy 12 (CORD12). Identifiers: Orphanet 1872, MedGen C2675210, MONDO:0012983, OMIM 612657.
Retinal macular dystrophy type 2 (MCDR2). Also called: Bull's eye macular dystrophy. Identifiers: Orphanet 319640, MedGen C4749334, MONDO:0011957, OMIM 608051.
Stargardt disease 4 (STGD4). Identifiers: Orphanet 827, MedGen C1863534, MONDO:0011370, OMIM 603786.

Allele frequency attached by ClinVar (database versions not stated): gnomAD exomes 0.02110 and 0.02250; ESP Exome Variant Server 0.03395; gnomAD 0.03514 and 0.03578; 1000 Genomes Project 0.03634; 1000 Genomes Project 30x 0.03857; TOPMed 0.03860; ExAC 0.05088.
gnomAD v4.1: 35,785 of 1,490,096 alleles (2.4%); highest among the groups gnomAD compares: African/African-American, 6.5%; 589 homozygotes.

Submissions (10):

Labcorp Genetics (formerly Invitae), Labcorp
Classification: Benign. Last evaluated: 2026-02-04. Review status: criteria provided, single submitter. Criteria: Invitae Variant Classification Sherloc (09022015). Collection method: clinical testing. Allele origin: germline.

Dept Of Ophthalmology, Nagoya University
Classification: Benign for Retinal dystrophy. Last evaluated: 2023-10-01. Review status: criteria provided, single submitter. Criteria: Submitter's publication. Collection method: research. Allele origin: germline. Affected: yes.

GeneDx
Classification: Benign. Last evaluated: 2018-11-15. Review status: criteria provided, single submitter. Criteria: GeneDx Variant Classification Process June 2021. Collection method: clinical testing. Allele origin: germline. Affected: yes.

Illumina Laboratory Services, Illumina
Classification: Benign for Retinal macular dystrophy type 2. Last evaluated: 2018-01-13. Review status: criteria provided, single submitter. Criteria: ICSL Variant Classification Criteria 13 December 2019. Collection method: clinical testing. Allele origin: germline.
Comment: This variant was observed in the ICSL laboratory as part of a predisposition screen in an ostensibly healthy population. It had not been previously curated by ICSL or reported in the Human Gene Mutation Database (HGMD: prior to June 1st, 2018), and was therefore a candidate for classification through an automated scoring system. Utilizing variant allele frequency, disease prevalence and penetrance estimates, and inheritance mode, an automated score was calculated to assess if this variant is too frequent to cause the disease. Based on the score and internal cut-off values, a variant classified as benign is not then subjected to further curation. The score for this variant resulted in a classification of benign for this disease.

Illumina Laboratory Services, Illumina
Classification: Benign for Retinitis pigmentosa. Last evaluated: 2018-01-13. Review status: criteria provided, single submitter. Criteria: ICSL Variant Classification Criteria 13 December 2019. Collection method: clinical testing. Allele origin: germline.
Comment: the same text as in the submission from Illumina Laboratory Services, Illumina above.

Illumina Laboratory Services, Illumina
Classification: Benign for Stargardt disease 4. Last evaluated: 2018-01-13. Review status: criteria provided, single submitter. Criteria: ICSL Variant Classification Criteria 13 December 2019. Collection method: clinical testing. Allele origin: germline.
Comment: the same text as in the submission from Illumina Laboratory Services, Illumina above.

Illumina Laboratory Services, Illumina
Classification: Benign for Cone-rod dystrophy 12. Last evaluated: 2018-01-13. Review status: criteria provided, single submitter. Criteria: ICSL Variant Classification Criteria 13 December 2019. Collection method: clinical testing. Allele origin: germline.
Comment: the same text as in the submission from Illumina Laboratory Services, Illumina above.

Eurofins Ntd Llc (ga)
Classification: Benign. Last evaluated: 2013-08-14. Review status: criteria provided, single submitter. Criteria: EGL Classification Definitions 2015. Collection method: clinical testing. Allele origin: germline. Observed: 1 variant allele, 1 heterozygote.

Breakthrough Genomics
Classification: Benign. Review status: criteria provided, single submitter. Criteria: ACMG Guidelines, 2015. Collection method: not provided. Allele origin: germline. Inheritance: Autosomal recessive inheritance. Affected: yes.

PreventionGenetics, part of Exact Sciences
Classification: Benign. Review status: criteria provided, single submitter. Criteria: ACMG Guidelines, 2015. Collection method: clinical testing. Allele origin: germline.

NM_006017.3(PROM1):c.228G>A (p.Leu76=)

Gene: PROM1 (prominin 1; minus strand). Cytogenetic location: 4p15.32.
Variant type: single nucleotide variant.
Coding change: c.228G>A on transcript NM_006017.3 (MANE Select); coding-DNA position 228, G replaced by A.
Protein change: p.Leu76=; no amino-acid change (leucine 76 retained).
Molecular consequence: synonymous variant.
Genome position (GRCh38, 1-based): chr4:16,038,994, C>T on the plus strand (G>A on the coding strand, the complement: PROM1 is on the minus strand). VCF-style: chr4-16038994-C-T. GRCh37 (hg19) VCF-style: chr4-16040617-C-T.
Other names: c.228G>A, p.Leu76= (NM_001145847.2, NM_001145848.2, NM_001145849.2 and 6 more transcripts).
Identifiers: ClinVar variation 95331 (VCV000095331.23), dbSNP rs76963591, ClinGen allele CA148437.